The following is an entry in ClinVar:

ClinVar aggregate classification (germline): Uncertain significance (1 of 4 stars; one submission).

Allele frequency attached by ClinVar (database versions not stated): TOPMed 0.00002.

Submission:

Labcorp Genetics (formerly Invitae), Labcorp
Classification: Uncertain significance. Last evaluated: 2022-03-23. Review status: criteria provided, single submitter. Criteria: Invitae Variant Classification Sherloc (09022015). Collection method: clinical testing. Allele origin: germline.
Comment: In summary, the available evidence is currently insufficient to determine the role of this variant in disease. Therefore, it has been classified as a Variant of Uncertain Significance. Algorithms developed to predict the effect of missense changes on protein structure and function are either unavailable or do not agree on the potential impact of this missense change (SIFT: "Deleterious"; PolyPhen-2: "Probably Damaging"; Align-GVGD: "Class C15"). This variant has not been reported in the literature in individuals affected with MMP14-related conditions. This variant is not present in population databases (gnomAD no frequency). This sequence change replaces valine, which is neutral and non-polar, with methionine, which is neutral and non-polar, at codon 445 of the MMP14 protein (p.Val445Met).

NM_004995.4(MMP14):c.1333G>A (p.Val445Met)

Gene: MMP14 (matrix metallopeptidase 14; plus strand). Cytogenetic location: 14q11.2.
Variant type: single nucleotide variant.
Coding change: c.1333G>A on transcript NM_004995.4 (MANE Select); coding-DNA position 1333, G replaced by A.
Protein change: p.Val445Met; replaces valine 445 with methionine.
Molecular consequence: missense variant.
Genome position (GRCh38, 1-based): chr14:22,845,282, G>A. VCF-style: chr14-22845282-G-A. GRCh37 (hg19) VCF-style: chr14-23314491-G-A.
Other names: short protein forms V445M.
Identifiers: ClinVar variation 1908449 (VCV001908449.5), dbSNP rs1343929448, ClinGen allele CA388933928.